The following is an entry in ClinVar:

NM_000232.5(SGCB):c.132C>G (p.Tyr44Ter)

Gene: SGCB (sarcoglycan beta; minus strand). Cytogenetic location: 4q12.
Variant type: single nucleotide variant.
Coding change: c.132C>G on transcript NM_000232.5 (MANE Select); coding-DNA position 132, C replaced by G.
Protein change: p.Tyr44Ter; replaces tyrosine 44 with a stop codon.
Molecular consequence: nonsense.
Genome position (GRCh38, 1-based): chr4:52,033,542, G>C on the plus strand (C>G on the coding strand, the complement: SGCB is on the minus strand). VCF-style: chr4-52033542-G-C. GRCh37 (hg19) VCF-style: chr4-52899708-G-C.
Other names: short protein forms Y44*.
Identifiers: ClinVar variation 936115 (VCV000936115.8), dbSNP rs1737305761, ClinGen allele CA356878009.

ClinVar aggregate classification (germline): Pathogenic (1 of 4 stars; one submission).

Conditions:
Autosomal recessive limb-girdle muscular dystrophy type 2E (LGMDR4). Also called: MUSCULAR DYSTROPHY, LIMB-GIRDLE, AUTOSOMAL RECESSIVE 4. Identifiers: Orphanet 119, MedGen C1858593, MONDO:0011423, OMIM 604286. Disease mechanism: Affects gamma-sarcoglycan and also disrupts the integrity of the entire sarcoglycan complex..

Submission:

Labcorp Genetics (formerly Invitae), Labcorp
Classification: Pathogenic for Autosomal recessive limb-girdle muscular dystrophy type 2E. Last evaluated: 2020-03-29. Review status: criteria provided, single submitter. Criteria: Invitae Variant Classification Sherloc (09022015). Collection method: clinical testing. Allele origin: germline.
Comment: This variant has not been reported in the literature in individuals with SGCB-related conditions. This variant is not present in population databases (ExAC no frequency). This sequence change creates a premature translational stop signal (p.Tyr44*) in the SGCB gene. It is expected to result in an absent or disrupted protein product. For these reasons, this variant has been classified as Pathogenic. Loss-of-function variants in SGCB are known to be pathogenic (PMID: 15938573, 18285821).

Literature cited by the submitters: PubMed 15938573; PubMed 18285821.